The following is an entry in ClinVar:

NM_013352.4(DSE):c.2334G>T (p.Leu778=)

Gene: DSE (dermatan sulfate epimerase; plus strand). Cytogenetic location: 6q22.1.
Variant type: single nucleotide variant.
Coding change: c.2334G>T on transcript NM_013352.4 (MANE Select); coding-DNA position 2334, G replaced by T.
Protein change: p.Leu778=; no amino-acid change (leucine 778 retained).
Molecular consequence: synonymous variant. On other transcripts: 3 prime UTR variant (2), non-coding transcript variant (1).
Genome position (GRCh38, 1-based): chr6:116,436,802, G>T. VCF-style: chr6-116436802-G-T. GRCh37 (hg19) VCF-style: chr6-116757965-G-T.
Other names: p.Leu778=; c.2334G>T, p.Leu778= (NM_001080976.3, NM_001322937.2, NM_001322938.2); c.2391G>T, p.Leu797= (NM_001322939.2); c.1773G>T, p.Leu591= (NM_001322940.2, NM_001322941.2); c.*1199G>T (NM_001322943.2, NM_001322944.2); c.1335G>T, p.Leu445= (NM_001374520.1); c.1299G>T, p.Leu433= (NM_001374521.1).
Identifiers: ClinVar variation 681762 (VCV000681762.20), dbSNP rs534248134, ClinGen allele CA3969797.
Genomic context (GRCh38, chr6:116,436,802, plus strand): 5'-GCAGATACTGTCCCGAGTCCGGAACACAGCTAGCTTTAGGAAGACTGCTGAACGCCTGCT[G>T]AGATTTTCAGATAAGAGACAGACTGAGGAGGCCATTGACAGGATTTTTGCCATATCACAG-3'
Protein context (NP_037484.1, residues 768-788): ASFRKTAERL[Leu778=]RFSDKRQTEE

ClinVar aggregate classification (germline): Benign/Likely benign. Review status: criteria provided, multiple submitters, no conflicts (2 of 4 stars). 5 submissions from 5 submitters: Benign (1); Likely benign (4). Last evaluated 2026-01-02.

Conditions:
Ehlers-Danlos syndrome, musculocontractural type 2 (EDSMC2). Identifiers: Orphanet 2953, MedGen C3809845, MONDO:0014236, OMIM 615539.

Allele frequency attached by ClinVar (database versions not stated): gnomAD 0.00001 and 0.00048; TOPMed 0.00006; gnomAD exomes 0.00063 and 0.00127; ExAC 0.00142; 1000 Genomes Project 30x 0.00281; 1000 Genomes Project 0.00319.
gnomAD v4.1: 1,017 of 1,614,124 alleles (0.063%); highest among the groups gnomAD compares: South Asian, 1%; 8 homozygotes.

Submissions (5):

Labcorp Genetics (formerly Invitae), Labcorp
Classification: Benign for Ehlers-Danlos syndrome, musculocontractural type 2. Last evaluated: 2026-01-02. Review status: criteria provided, single submitter. Criteria: Invitae Variant Classification Sherloc (09022015). Collection method: clinical testing. Allele origin: germline.

CeGaT Center for Human Genetics Tuebingen
Classification: Likely benign. Last evaluated: 2025-07-01. Review status: criteria provided, single submitter. Criteria: CeGaT Center For Human Genetics Tuebingen Variant Classification Criteria Version 2. Collection method: clinical testing. Allele origin: germline. Affected: yes. Observed: 2 variant alleles.
Comment: DSE: BP4, BS1

Mayo Clinic Laboratories, Mayo Clinic
Classification: Likely benign. Last evaluated: 2025-06-16. Review status: criteria provided, single submitter. Criteria: ACMG Guidelines, 2015. Collection method: clinical testing. Allele origin: germline. Observed: 1 variant allele.
Comment: BS1, BP4, BP7

Blueprint Genetics
Classification: Likely benign. Last evaluated: 2024-10-22. Review status: criteria provided, single submitter. Criteria: ACMG Guidelines, 2015. Collection method: clinical testing. Allele origin: germline.

GeneDx
Classification: Likely benign. Last evaluated: 2021-03-24. Review status: criteria provided, single submitter. Criteria: GeneDx Variant Classification Process June 2021. Collection method: clinical testing. Allele origin: germline. Affected: yes.